The following is an entry in ClinVar:

ClinVar aggregate classification (germline): Uncertain significance. Review status: criteria provided, single submitter (1 of 4 stars). 2 submissions from 2 submitters: Uncertain significance (1). 1 of the submissions does not count toward it. Last evaluated 2022-09-07.

Conditions:
Retinal dystrophy. Also called: Inherited retinal dystrophy. Identifiers: Orphanet 71862, MedGen C0854723, MeSH D058499, MONDO:0019118, HP:0000556.
Leber congenital amaurosis 13 (LCA13). Identifiers: MedGen C2675186, MONDO:0012990, OMIM 612712.

gnomAD v4.1: 6 of 1,612,274 alleles (0.00037%); highest among the groups gnomAD compares: South Asian, 0.0022%; no homozygotes.

Submissions (2):

Labcorp Genetics (formerly Invitae), Labcorp
Classification: Uncertain significance for Leber congenital amaurosis 13. Last evaluated: 2022-09-07. Review status: criteria provided, single submitter. Criteria: Invitae Variant Classification Sherloc (09022015). Collection method: clinical testing. Allele origin: germline.
Comment: This sequence change falls in intron 3 of the RDH12 gene. It does not directly change the encoded amino acid sequence of the RDH12 protein. It affects a nucleotide within the consensus splice site. This variant is present in population databases (no rsID available, gnomAD 0.003%). This variant has not been reported in the literature in individuals affected with RDH12-related conditions. Variants that disrupt the consensus splice site are a relatively common cause of aberrant splicing (PMID: 17576681, 9536098). Algorithms developed to predict the effect of sequence changes on RNA splicing suggest that this variant may disrupt the consensus splice site. In summary, the available evidence is currently insufficient to determine the role of this variant in disease. Therefore, it has been classified as a Variant of Uncertain Significance.

Institute of Human Genetics, Univ. Regensburg, Univ. Regensburg
Classification: Uncertain significance for Retinal dystrophy. Last evaluated: 2021-01-01. Review status: no assertion criteria provided. Criteria: ACMG Guidelines, 2015. Collection method: clinical testing. Allele origin: germline. Affected: yes. Not counted in ClinVar's aggregate classification.

Literature cited by the submitters: PubMed 17576681 (cited by Labcorp Genetics (formerly Invitae), Labcorp); PubMed 9536098 (cited by Labcorp Genetics (formerly Invitae), Labcorp).

NM_152443.3(RDH12):c.68+6T>A

Genes: RDH12 (retinol dehydrogenase 12; plus strand), GPHN (gephyrin; plus strand). Cytogenetic location: 14q24.1.
Variant type: single nucleotide variant.
Coding change: c.68+6T>A on transcript NM_152443.3 (MANE Select); 6 bases into the intron after coding-DNA position 68, T replaced by A.
Molecular consequence: intron variant.
Genome position (GRCh38, 1-based): chr14:67,722,716, T>A. VCF-style: chr14-67722716-T-A. GRCh37 (hg19) VCF-style: chr14-68189433-T-A.
Identifiers: ClinVar variation 2076398 (VCV002076398.2), dbSNP rs757501261, ClinGen allele CA614772619.